The following is an entry in ClinVar:

NM_012200.4(B3GAT3):c.134G>A (p.Arg45Gln)

Gene: B3GAT3 (beta-1,3-glucuronyltransferase 3; minus strand). Cytogenetic location: 11q12.3.
Variant type: single nucleotide variant.
Coding change: c.134G>A on transcript NM_012200.4 (MANE Select); coding-DNA position 134, G replaced by A.
Protein change: p.Arg45Gln; replaces arginine 45 with glutamine.
Molecular consequence: missense variant. On other transcripts: non-coding transcript variant (1).
Genome position (GRCh38, 1-based): chr11:62,620,620, C>T on the plus strand (G>A on the coding strand, the complement: B3GAT3 is on the minus strand). VCF-style: chr11-62620620-C-T. GRCh37 (hg19) VCF-style: chr11-62388092-C-T.
Other names: c.113G>A, p.Arg38Gln (NM_001288721.2); c.134G>A, p.Arg45Gln (NM_001288722.2, NM_001288723.2); short protein forms R38Q, R45Q.
Identifiers: ClinVar variation 1223725 (VCV001223725.9), dbSNP rs139875377, ClinGen allele CA6050200.

ClinVar aggregate classification (germline): Uncertain significance. Review status: criteria provided, multiple submitters, no conflicts (2 of 4 stars). 2 submissions from 2 submitters: Uncertain significance (2). Last evaluated 2025-12-23.

Conditions:
Larsen-like syndrome, B3GAT3 type. Also called: MULTIPLE JOINT DISLOCATIONS, SHORT STATURE, AND CRANIOFACIAL DYSMORPHISM WITH OR WITHOUT CONGENITAL HEART DEFECTS; Multiple joint dislocations, short stature, craniofacial dysmorphism, with or without congenital heart defects. Identifiers: Orphanet 284139, MedGen CN034159, MONDO:0009511, OMIM 245600.

Allele frequency attached by ClinVar (database versions not stated): ESP Exome Variant Server 0.00015.

Submissions (2):

Labcorp Genetics (formerly Invitae), Labcorp
Classification: Uncertain significance for Larsen-like syndrome, B3GAT3 type. Last evaluated: 2025-12-23. Review status: criteria provided, single submitter. Criteria: Invitae Variant Classification Sherloc (09022015). Collection method: clinical testing. Allele origin: germline.
Comment: This sequence change replaces arginine, which is basic and polar, with glutamine, which is neutral and polar, at codon 45 of the B3GAT3 protein (p.Arg45Gln). This variant is present in population databases (rs139875377, gnomAD 0.01%). This variant has not been reported in the literature in individuals affected with B3GAT3-related conditions. ClinVar contains an entry for this variant (Variation ID: 1223725). An algorithm developed to predict the effect of missense changes on protein structure and function (PolyPhen-2) suggests that this variant is likely to be tolerated. In summary, the available evidence is currently insufficient to determine the role of this variant in disease. Therefore, it has been classified as a Variant of Uncertain Significance.

GeneDx
Classification: Uncertain significance. Last evaluated: 2021-01-26. Review status: criteria provided, single submitter. Criteria: GeneDx Variant Classification Process June 2021. Collection method: clinical testing. Allele origin: germline. Affected: yes.
Comment: Has not been previously published as pathogenic or benign to our knowledge; Not observed at a significant frequency in large population cohorts (Lek et al., 2016); In silico analysis, which includes protein predictors and evolutionary conservation, supports that this variant does not alter protein structure/function